The following is an entry in ClinVar:

ClinVar aggregate classification (germline): Uncertain significance (1 of 4 stars; one submission).

Conditions:
Autosomal recessive limb-girdle muscular dystrophy type 2J (LGMDR10). Also called: Limb-girdle muscular dystrophy, type 2J; MUSCULAR DYSTROPHY, LIMB-GIRDLE, AUTOSOMAL RECESSIVE 10. Identifiers: Orphanet 140922, MedGen C1837342, MONDO:0012127, OMIM 608807.
Dilated cardiomyopathy 1G (CMD1G). Identifiers: Orphanet 154, MedGen C1858763, MONDO:0011400, OMIM 604145.

gnomAD v4.1: 1 of 1,613,728 alleles (0.000062%); highest among the groups gnomAD compares: Non-Finnish European, 0.000085%; no homozygotes.

Submission:

Labcorp Genetics (formerly Invitae), Labcorp
Classification: Uncertain significance for Dilated cardiomyopathy 1G; Autosomal recessive limb-girdle muscular dystrophy type 2J. Last evaluated: 2024-09-11. Review status: criteria provided, single submitter. Criteria: Invitae Variant Classification Sherloc (09022015). Collection method: clinical testing. Allele origin: germline.
Comment: This sequence change replaces proline, which is neutral and non-polar, with arginine, which is basic and polar, at codon 33984 of the TTN protein (p.Pro33984Arg). This variant is not present in population databases (gnomAD no frequency). This variant has not been reported in the literature in individuals affected with TTN-related conditions. Experimental studies and prediction algorithms are not available or were not evaluated, and the functional significance of this variant is currently unknown. This variant is located in the M band of TTN (PMID: 25589632). Non-truncating variants in this region may be relevant for neuromuscular disorders, but have not been definitively shown to cause cardiomyopathy (PMID: 23975875). In summary, the available evidence is currently insufficient to determine the role of this variant in disease. Therefore, it has been classified as a Variant of Uncertain Significance.

Literature cited by the submitters: PubMed 25589632; PubMed 23975875.

NM_001267550.2(TTN):c.101951C>G (p.Pro33984Arg)

Genes: TTN (titin; minus strand), TTN-AS1 (TTN antisense RNA 1; plus strand). Cytogenetic location: 2q31.2.
Variant type: single nucleotide variant.
Coding change: c.101951C>G on transcript NM_001267550.2 (MANE Select); coding-DNA position 101951, C replaced by G.
Protein change: p.Pro33984Arg; replaces proline 33984 with arginine.
Molecular consequence: missense variant.
Genome position (GRCh38, 1-based): chr2:178,534,664, G>C on the plus strand (C>G on the coding strand, the complement: TTN is on the minus strand). VCF-style: chr2-178534664-G-C. GRCh37 (hg19) VCF-style: chr2-179399391-G-C.
Other names: c.97028C>G, p.Pro32343Arg (NM_001256850.1); c.74756C>G, p.Pro24919Arg (NM_003319.4); c.94247C>G, p.Pro31416Arg (NM_133378.4); c.75131C>G, p.Pro25044Arg (NM_133432.3); c.75332C>G, p.Pro25111Arg (NM_133437.4); short protein forms P24919R, P25044R, P25111R, P31416R, P32343R, P33984R.
Identifiers: ClinVar variation 3751655 (VCV003751655.2).